The following is an entry in ClinVar:

ClinVar aggregate classification (germline): Pathogenic (1 of 4 stars; one submission).

Conditions:
Polyglandular autoimmune syndrome, type 1 (APS1). Also called: AUTOIMMUNE POLYENDOCRINE SYNDROME, TYPE I, WITH OR WITHOUT REVERSIBLE METAPHYSEAL DYSPLASIA; Autoimmune polyendocrinopathy syndrome , type I, with or without reversible metaphyseal dysplasia; Autoimmune polyendocrinopathy syndrome, type I; HYPOADRENOCORTICISM WITH HYPOPARATHYROIDISM AND SUPERFICIAL MONILIASIS; PGA I; Autoimmune polyendocrine syndrome type 1. Identifiers: Orphanet 3453, MedGen C0085859, MONDO:0009411, OMIM 240300.

Submission:

Labcorp Genetics (formerly Invitae), Labcorp
Classification: Pathogenic for Polyglandular autoimmune syndrome, type 1. Last evaluated: 2021-11-18. Review status: criteria provided, single submitter. Criteria: Invitae Variant Classification Sherloc (09022015). Collection method: clinical testing. Allele origin: germline.
Comment: For these reasons, this variant has been classified as Pathogenic. This variant has not been reported in the literature in individuals affected with AIRE-related conditions. The frequency data for this variant in the population databases is considered unreliable, as metrics indicate poor data quality at this position in the gnomAD database. This sequence change creates a premature translational stop signal (p.Val420Glyfs*3) in the AIRE gene. It is expected to result in an absent or disrupted protein product. Loss-of-function variants in AIRE are known to be pathogenic (PMID: 11524731, 26141571).

Literature cited by the submitters: PubMed 11524731; PubMed 26141571.

NM_000383.4(AIRE):c.1259_1260del (p.Val420fs)

Gene: AIRE (autoimmune regulator; plus strand). Cytogenetic location: 21q22.3.
Variant type: Microsatellite.
Coding change: c.1259_1260del on transcript NM_000383.4 (MANE Select); coding-DNA positions 1259 to 1260, 2 bases deleted (TG; older notation c.1259_1260delTG).
Protein change: p.Val420fs; shifts the reading frame from valine 420.
Molecular consequence: frameshift variant.
Genome position (GRCh38, 1-based): chr21:44,293,156-44,293,157, TG deleted; deleting any 2 consecutive bases within chr21:44,293,150-44,293,157 gives the same sequence; the c. name uses the placement nearest the transcript's 3' end. VCF-style (leftmost placement, unchanged base first): chr21-44293149-CTG-C. GRCh37 (hg19) VCF-style: chr21-45713032-CTG-C.
Other names: short protein forms V420fs.
Identifiers: ClinVar variation 1401394 (VCV001401394.6), dbSNP rs759281545, ClinGen allele CA10052005.